The following is an entry in ClinVar:

ClinVar aggregate classification (germline): Uncertain significance. Review status: criteria provided, multiple submitters, no conflicts (2 of 4 stars). 4 submissions from 4 submitters: Uncertain significance (3). 1 of the submissions does not count toward it. Last evaluated 2025-10-02.

Conditions:
Inborn genetic diseases. Identifiers: MedGen C0950123, MeSH D030342.
PLEC-related disorder. Also called: PLEC-related disorders; PLEC-related condition.
Autosomal recessive limb-girdle muscular dystrophy type 2Q (LGMDR17). Also called: MUSCULAR DYSTROPHY, LIMB-GIRDLE, AUTOSOMAL RECESSIVE 17. Identifiers: Orphanet 254361, MedGen C3150989, MONDO:0013390, OMIM 613723.
Epidermolysis bullosa simplex with nail dystrophy (EBS5D). Identifiers: MedGen C4225309, MONDO:0014661, OMIM 616487.
Epidermolysis bullosa simplex 5B, with muscular dystrophy (EBS5B). Also called: EPIDERMOLYSIS BULLOSA SIMPLEX AND LIMB-GIRDLE MUSCULAR DYSTROPHY; Epidermolysis bullosa simplex with muscular dystrophy. Identifiers: Orphanet 257, MedGen C2931072, MONDO:0009181, OMIM 226670.
Epidermolysis bullosa simplex, Ogna type (EBS5A). Also called: EPIDERMOLYSIS BULLOSA SIMPLEX 5A, OGNA TYPE; Pidermolysis bullosa simplex 5A, Ogna type. Identifiers: Orphanet 79401, MedGen C0432317, MONDO:0007555, OMIM 131950.
Epidermolysis bullosa simplex 5C, with pyloric atresia (EBS5C). Also called: PLEC-Related Epidermolysis Bullosa with Pyloric Atresia; PLEC1-Related Epidermolysis Bullosa with Pyloric Atresia; Epidermolysis bullosa simplex with pyloric atresia. Identifiers: Orphanet 158684, MedGen C2677349, MONDO:0012807, OMIM 612138.

Allele frequency attached by ClinVar (database versions not stated): gnomAD 0.00003; gnomAD exomes 0.00005; ExAC 0.00006; TOPMed 0.00014; ESP Exome Variant Server 0.00015.
gnomAD v4.1: 117 of 1,595,398 alleles (0.0073%); highest among the groups gnomAD compares: Non-Finnish European, 0.0089%; no homozygotes.

Submissions (4):

Labcorp Genetics (formerly Invitae), Labcorp
Classification: Uncertain significance for Autosomal recessive limb-girdle muscular dystrophy type 2Q; Epidermolysis bullosa simplex, Ogna type; Epidermolysis bullosa simplex with nail dystrophy; Epidermolysis bullosa simplex 5C, with pyloric atresia; Epidermolysis bullosa simplex 5B, with muscular dystrophy. Last evaluated: 2025-10-02. Review status: criteria provided, single submitter. Criteria: Invitae Variant Classification Sherloc (09022015). Collection method: clinical testing. Allele origin: germline.
Comment: This sequence change replaces glutamic acid, which is acidic and polar, with aspartic acid, which is acidic and polar, at codon 2550 of the PLEC protein (p.Glu2550Asp). This variant is present in population databases (rs369185645, gnomAD 0.01%). This variant has not been reported in the literature in individuals affected with PLEC-related conditions. ClinVar contains an entry for this variant (Variation ID: 497008). Invitae Evidence Modeling of protein sequence and biophysical properties (such as structural, functional, and spatial information, amino acid conservation, physicochemical variation, residue mobility, and thermodynamic stability) indicates that this missense variant is not expected to disrupt PLEC protein function with a negative predictive value of 80%. In summary, the available evidence is currently insufficient to determine the role of this variant in disease. Therefore, it has been classified as a Variant of Uncertain Significance.

Ambry Genetics
Classification: Uncertain significance for Inborn genetic diseases. Last evaluated: 2025-03-31. Review status: criteria provided, single submitter. Criteria: Ambry Variant Classification Scheme 2023. Collection method: clinical testing. Allele origin: germline.

Eurofins Ntd Llc (ga)
Classification: Uncertain significance. Last evaluated: 2018-07-03. Review status: criteria provided, single submitter. Criteria: EGL ClinVar v180209 classification definitions. Collection method: clinical testing. Allele origin: germline. Observed: 4 variant alleles, 4 heterozygotes.

PreventionGenetics, part of Exact Sciences
Classification: Uncertain significance for PLEC-related condition. Last evaluated: 2024-07-18. Review status: no assertion criteria provided. Collection method: clinical testing. Allele origin: germline. Not counted in ClinVar's aggregate classification.
Comment: The PLEC c.7650G>T variant is predicted to result in the amino acid substitution p.Glu2550Asp. To our knowledge, this variant has not been reported in the literature. This variant is reported in 0.011% of alleles in individuals of European (Non-Finnish) descent in gnomAD. At this time, the clinical significance of this variant is uncertain due to the absence of conclusive functional and genetic evidence.

NM_201384.3(PLEC):c.7569G>T (p.Glu2523Asp)

Gene: PLEC (plectin; minus strand). Cytogenetic location: 8q24.3.
Variant type: single nucleotide variant.
Coding change: c.7569G>T on transcript NM_201384.3 (MANE Select); coding-DNA position 7569, G replaced by T.
Protein change: p.Glu2523Asp; replaces glutamic acid 2523 with aspartic acid.
Molecular consequence: missense variant.
Genome position (GRCh38, 1-based): chr8:143,922,252, C>A on the plus strand (G>T on the coding strand, the complement: PLEC is on the minus strand). VCF-style: chr8-143922252-C-A. GRCh37 (hg19) VCF-style: chr8-144996420-C-A.
Other names: c.7650G>T (NM_000445.4, NM_000445.3); c.7650G>T, p.Glu2550Asp (NM_000445.5); c.7527G>T, p.Glu2509Asp (NM_201378.4); c.7503G>T, p.Glu2501Asp (NM_201379.3); c.7980G>T, p.Glu2660Asp (NM_201380.4); c.7473G>T, p.Glu2491Asp (NM_201381.3); c.7569G>T, p.Glu2523Asp (NM_201382.4); c.7581G>T, p.Glu2527Asp (NM_201383.3); short protein forms E2491D, E2501D, E2509D, E2523D, E2527D, E2550D, E2660D.
Identifiers: ClinVar variation 497008 (VCV000497008.11), dbSNP rs369185645, ClinGen allele CA4925582.